The following is an entry in ClinVar:

NM_001042492.3(NF1):c.7243A>G (p.Thr2415Ala)

Gene: NF1 (neurofibromin 1; plus strand). Cytogenetic location: 17q11.2.
Variant type: single nucleotide variant.
Coding change: c.7243A>G on transcript NM_001042492.3 (MANE Select); coding-DNA position 7243, A replaced by G.
Protein change: p.Thr2415Ala; replaces threonine 2415 with alanine.
Molecular consequence: missense variant.
Genome position (GRCh38, 1-based): chr17:31,349,173, A>G. VCF-style: chr17-31349173-A-G. GRCh37 (hg19) VCF-style: chr17-29676191-A-G.
Other names: c.7180A>G, p.Thr2394Ala (NM_000267.4); short protein forms T2415A, T2394A.
Identifiers: ClinVar variation 2091966 (VCV002091966.5), dbSNP rs2151572641, ClinGen allele CA399016762.

ClinVar aggregate classification (germline): Uncertain significance. Review status: criteria provided, multiple submitters, no conflicts (2 of 4 stars). 2 submissions from 2 submitters: Uncertain significance (2). Last evaluated 2025-01-13.

Conditions:
Neurofibromatosis, type 1 (NF1). Also called: NEUROFIBROMATOSIS, TYPE I, SOMATIC; Neurofibromatosis, type I; Peripheral type neurofibromatosis; VON RECKLINGHAUSEN DISEASE. Identifiers: Orphanet 636, MedGen C0027831, MONDO:0018975, OMIM 162200. Disease mechanism: loss of function.
Hereditary cancer-predisposing syndrome. Also called: Tumor predisposition; Neoplastic Syndromes, Hereditary; Hereditary neoplastic syndrome; Hereditary Cancer Syndrome. Identifiers: Orphanet 140162, MedGen C0027672, MeSH D009386, MONDO:0015356.
Cardiovascular phenotype. Identifiers: MedGen CN230736.

Submissions (2):

Ambry Genetics
Classification: Uncertain significance for Cardiovascular phenotype; Hereditary cancer-predisposing syndrome. Last evaluated: 2025-01-13. Review status: criteria provided, single submitter. Criteria: Ambry Variant Classification Scheme 2023. Collection method: clinical testing. Allele origin: germline.
Comment: The p.T2394A variant (also known as c.7180A>G), located in coding exon 48 of the NF1 gene, results from an A to G substitution at nucleotide position 7180. The threonine at codon 2394 is replaced by alanine, an amino acid with similar properties. This amino acid position is highly conserved in available vertebrate species. In addition, the in silico prediction for this alteration is inconclusive. Based on the available evidence, the clinical significance of this variant remains unclear.

Labcorp Genetics (formerly Invitae), Labcorp
Classification: Uncertain significance for Neurofibromatosis, type 1. Last evaluated: 2023-03-03. Review status: criteria provided, single submitter. Criteria: Invitae Variant Classification Sherloc (09022015). Collection method: clinical testing. Allele origin: germline.
Comment: This sequence change replaces threonine, which is neutral and polar, with alanine, which is neutral and non-polar, at codon 2394 of the NF1 protein (p.Thr2394Ala). This variant is not present in population databases (gnomAD no frequency). This variant has not been reported in the literature in individuals affected with NF1-related conditions. ClinVar contains an entry for this variant (Variation ID: 2091966). Advanced modeling of protein sequence and biophysical properties (such as structural, functional, and spatial information, amino acid conservation, physicochemical variation, residue mobility, and thermodynamic stability) performed at Invitae indicates that this missense variant is not expected to disrupt NF1 protein function. In summary, the available evidence is currently insufficient to determine the role of this variant in disease. Therefore, it has been classified as a Variant of Uncertain Significance.